The following is an entry in ClinVar:

NM_000298.6(PKLR):c.1199A>G (p.Asp400Gly)

Gene: PKLR (pyruvate kinase L/R; minus strand). Cytogenetic location: 1q22.
Variant type: single nucleotide variant.
Coding change: c.1199A>G on transcript NM_000298.6 (MANE Select); coding-DNA position 1199, A replaced by G.
Protein change: p.Asp400Gly; replaces aspartic acid 400 with glycine.
Molecular consequence: missense variant.
Genome position (GRCh38, 1-based): chr1:155,293,508, T>C on the plus strand (A>G on the coding strand, the complement: PKLR is on the minus strand). VCF-style: chr1-155293508-T-C. GRCh37 (hg19) VCF-style: chr1-155263299-T-C.
Other names: c.1106A>G, p.Asp369Gly (NM_181871.4); short protein forms D369G, D400G.
Identifiers: ClinVar variation 4293868 (VCV004293868.1).

ClinVar aggregate classification (germline): Uncertain significance (1 of 4 stars; one submission).

Conditions:
Pyruvate kinase deficiency of red cells (CNSHA2). Also called: PK DEFICIENCY; PYRUVATE KINASE DEFICIENCY OF ERYTHROCYTE; Pyruvate kinase deficiency, Amish type. Identifiers: Orphanet 766, MedGen C0340968, MONDO:0009950, OMIM 266200.

Submission:

3billion
Classification: Uncertain significance for Pyruvate kinase deficiency of red cells. Last evaluated: 2024-12-05. Review status: criteria provided, single submitter. Criteria: ACMG Guidelines, 2015. Collection method: clinical testing. Allele origin: germline. Affected: yes.
Comment: The variant is not observed in the gnomAD v4.1.0 dataset. Predicted Consequence/Location: The variant is located in a mutational hot spot and/or well-established functional domain in which established pathogenic variants have been reported (PMID: 33054047). In silico tool predictions suggest damaging effect of the variant on gene or gene product [REVEL: 0.98 (>=0.6, sensitivity 0.68 and specificity 0.92); 3Cnet: 0.96 (>=0.6, sensitivity 0.72 and precision 0.9)]. Therefore, this variant is classified as VUS according to the recommendation of ACMG/AMP guideline.